The following is an entry in ClinVar:

NM_020964.3(EPG5):c.2413-70T>C

Gene: EPG5 (ectopic P-granules 5 autophagy tethering factor; minus strand). Cytogenetic location: 18q21.1.
Variant type: single nucleotide variant.
Coding change: c.2413-70T>C on transcript NM_020964.3 (MANE Select); 70 bases into the intron before coding-DNA position 2413, T replaced by C.
Molecular consequence: intron variant.
Genome position (GRCh38, 1-based): chr18:45,929,079, A>G on the plus strand (T>C on the coding strand, the complement: EPG5 is on the minus strand). VCF-style: chr18-45929079-A-G. GRCh37 (hg19) VCF-style: chr18-43509045-A-G.
Identifiers: ClinVar variation 1229856 (VCV001229856.6), dbSNP rs73953914, ClinGen allele CA15919081.
Genomic context (GRCh38, chr18:45,929,079, plus strand): 5'-GGGAAGGGGGAAGAAGATGGCACTTTTAATATCAATTAGCAGTCAAAACACACTTATATC[A>G]TTTTTTCAAGCAAAGCAGAAAGAATCTTACATTGAGCCTTAATTGACACTATGTTCCAAA-3'

ClinVar aggregate classification (germline): Benign. Review status: criteria provided, multiple submitters, no conflicts (2 of 4 stars). 3 submissions from 3 submitters: Benign (3). Last evaluated 2024-01-24.

Allele frequency attached by ClinVar (database versions not stated): gnomAD 0.15787 and 0.16052; TOPMed 0.17841; 1000 Genomes Project 30x 0.23579; 1000 Genomes Project 0.23582.
gnomAD v4.1: 148,163 of 1,455,070 alleles (10%); highest among the groups gnomAD compares: Admixed American, 33%; 12,741 homozygotes.

Submissions (3):

Unidad de Genómica Garrahan, Hospital de Pediatría Garrahan
Classification: Benign. Last evaluated: 2024-01-24. Review status: criteria provided, single submitter. Criteria: ACMG Guidelines, 2015. Collection method: clinical testing. Allele origin: germline. Affected: no. Observed: 37 variant alleles.
Comment: This variant is classified as Benign based on local population frequency. This variant was detected in 39% of patients studied by a panel of primary immunodeficiencies. Number of patients: 37. Only high quality variants are reported.

GeneDx
Classification: Benign. Last evaluated: 2018-09-16. Review status: criteria provided, single submitter. Criteria: GeneDx Variant Classification Process June 2021. Collection method: clinical testing. Allele origin: germline. Affected: yes.

Breakthrough Genomics
Classification: Benign. Review status: criteria provided, single submitter. Criteria: ACMG Guidelines, 2015. Collection method: not provided. Allele origin: germline. Inheritance: Autosomal recessive inheritance. Affected: yes.